The following is an entry in ClinVar:

NM_004360.5(CDH1):c.164-8C>T

Gene: CDH1 (cadherin 1; plus strand). Cytogenetic location: 16q22.1.
Variant type: single nucleotide variant.
Coding change: c.164-8C>T on transcript NM_004360.5 (MANE Select); 8 bases into the intron before coding-DNA position 164, C replaced by T.
Molecular consequence: intron variant.
Genome position (GRCh38, 1-based): chr16:68,801,662, C>T. VCF-style: chr16-68801662-C-T. GRCh37 (hg19) VCF-style: chr16-68835565-C-T.
Other names: c.-1452-8C>T (NM_001317185.2); c.-1656-8C>T (NM_001317186.2); c.164-8C>T (NM_001317184.2).
Identifiers: ClinVar variation 3378743 (VCV003378743.1).

ClinVar aggregate classification (germline): Likely benign (1 of 4 stars; one submission).

Conditions:
Hereditary diffuse gastric adenocarcinoma (HDGC). Also called: DIFFUSE GASTRIC AND LOBULAR BREAST CANCER SYNDROME. Identifiers: Orphanet 26106, MedGen C1708349, MONDO:0007648, OMIM 137215.

gnomAD v4.1: 2 of 1,607,110 alleles (0.00012%); highest among the groups gnomAD compares: Non-Finnish European, 0.00017%; no homozygotes.

Submission:

Myriad Genetics, Inc.
Classification: Likely benign for Hereditary diffuse gastric adenocarcinoma. Last evaluated: 2024-09-12. Review status: criteria provided, single submitter. Criteria: Myriad Autosomal Dominant, Autosomal Recessive and X-Linked Classification Criteria (2023). Collection method: clinical testing. Allele origin: unknown.
Comment: This variant is considered likely benign. This variant is intronic and is not expected to impact mRNA splicing.